The following is an entry in ClinVar:

NM_003737.4(DCHS1):c.5590G>A (p.Val1864Met)

Gene: DCHS1 (dachsous cadherin-related 1; minus strand). Cytogenetic location: 11p15.4.
Variant type: single nucleotide variant.
Coding change: c.5590G>A on transcript NM_003737.4 (MANE Select); coding-DNA position 5590, G replaced by A.
Protein change: p.Val1864Met; replaces valine 1864 with methionine.
Molecular consequence: missense variant.
Genome position (GRCh38, 1-based): chr11:6,627,449, C>T on the plus strand (G>A on the coding strand, the complement: DCHS1 is on the minus strand). VCF-style: chr11-6627449-C-T. GRCh37 (hg19) VCF-style: chr11-6648680-C-T.
Other names: c.5590G>A (NM_003737.2); short protein forms V1864M.
Identifiers: ClinVar variation 1311624 (VCV001311624.6), dbSNP rs147155247, ClinGen allele CA5860060.
Genomic context (GRCh38, chr11:6,627,449, plus strand): 5'-CATCAGGGTCATGAGCCTGTAGCTGCAGCAGCAGGGTCCCTGCAGGCACATCCTCCGGCA[C>T]CTCCACCGAGTAGGCAGGCACAGGAAAGGCTGGAGCATGGTCATTGGCATCCAGCACTGT-3'
Protein context (NP_003728.1, residues 1854-1874): AFPVPAYSVE[Val1864Met]PEDVPAGTLL

ClinVar aggregate classification (germline): Uncertain significance. Review status: criteria provided, multiple submitters, no conflicts (2 of 4 stars). 3 submissions from 3 submitters: Uncertain significance (3). Last evaluated 2024-03-08.

Conditions:
Inborn genetic diseases. Identifiers: MedGen C0950123, MeSH D030342.

Allele frequency attached by ClinVar (database versions not stated): gnomAD exomes 0.00001 and 0.00004; ExAC 0.00005; TOPMed 0.00008; gnomAD 0.00013 and 0.00014; 1000 Genomes Project 0.00020; ESP Exome Variant Server 0.00023; 1000 Genomes Project 30x 0.00031.
gnomAD v4.1: 28 of 1,611,086 alleles (0.0017%); highest among the groups gnomAD compares: African/African-American, 0.035%; no homozygotes.

Submissions (3):

Ambry Genetics
Classification: Uncertain significance for Inborn genetic diseases. Last evaluated: 2024-03-08. Review status: criteria provided, single submitter. Criteria: Ambry Variant Classification Scheme 2023. Collection method: clinical testing. Allele origin: germline.

Labcorp Genetics (formerly Invitae), Labcorp
Classification: Uncertain significance. Last evaluated: 2023-10-22. Review status: criteria provided, single submitter. Criteria: Invitae Variant Classification Sherloc (09022015). Collection method: clinical testing. Allele origin: germline.
Comment: This sequence change replaces valine, which is neutral and non-polar, with methionine, which is neutral and non-polar, at codon 1864 of the DCHS1 protein (p.Val1864Met). This variant is present in population databases (rs147155247, gnomAD 0.04%). This variant has not been reported in the literature in individuals affected with DCHS1-related conditions. ClinVar contains an entry for this variant (Variation ID: 1311624). Advanced modeling of protein sequence and biophysical properties (such as structural, functional, and spatial information, amino acid conservation, physicochemical variation, residue mobility, and thermodynamic stability) performed at Invitae indicates that this missense variant is expected to disrupt DCHS1 protein function. In summary, the available evidence is currently insufficient to determine the role of this variant in disease. Therefore, it has been classified as a Variant of Uncertain Significance.

GeneDx
Classification: Uncertain significance. Last evaluated: 2019-12-23. Review status: criteria provided, single submitter. Criteria: GeneDx Variant Classification Process June 2021. Collection method: clinical testing. Allele origin: germline. Affected: yes.
Comment: In silico analysis, which includes protein predictors and evolutionary conservation, supports that this variant does not alter protein structure/function; Has not been previously published as pathogenic or benign to our knowledge